The following is an entry in ClinVar:

ClinVar aggregate classification (germline): Benign (0 of 4 stars; one submission).

Conditions:
GRAMD1B-related disorder. Also called: GRAMD1B-related condition.

Allele frequency attached by ClinVar (database versions not stated): 1000 Genomes Project 30x 0.00531; 1000 Genomes Project 0.00559; gnomAD 0.01650; ExAC 0.01759; ESP Exome Variant Server 0.02165.
gnomAD v4.1: 39,831 of 1,603,964 alleles (2.5%); highest among the groups gnomAD compares: Non-Finnish European, 3.1%; 601 homozygotes.

Submission:

PreventionGenetics, part of Exact Sciences
Classification: Benign for GRAMD1B-related condition. Last evaluated: 2019-06-11. Review status: no assertion criteria provided. Collection method: clinical testing. Allele origin: germline.
Comment: This variant is classified as benign based on ACMG/AMP sequence variant interpretation guidelines (Richards et al. 2015 PMID: 25741868, with internal and published modifications).

NM_001387025.1(GRAMD1B):c.685-4G>A

Gene: GRAMD1B (GRAM domain containing 1B; plus strand). Cytogenetic location: 11q24.1.
Variant type: single nucleotide variant.
Coding change: c.685-4G>A on transcript NM_001387025.1 (MANE Select); 4 bases into the intron before coding-DNA position 685, G replaced by A.
Molecular consequence: intron variant.
Genome position (GRCh38, 1-based): chr11:123,594,078, G>A. VCF-style: chr11-123594078-G-A. GRCh37 (hg19) VCF-style: chr11-123464786-G-A.
Other names: c.553-4G>A (NM_001367421.2); c.337-4G>A (NM_001367420.2, NM_001367419.2, NM_001367418.2); c.685-4G>A (NM_001387024.1); c.682-4G>A (NM_001387026.1); c.136-4G>A (NM_001387034.1, NM_001387030.1, NM_001387032.1 and 5 more transcripts); c.277-4G>A (NM_001286563.3); c.256-4G>A (NM_001387028.1, NM_020716.4, NM_001387029.1).
Identifiers: ClinVar variation 3056869 (VCV003056869.2), dbSNP rs118067934, ClinGen allele CA6333398.
Genomic context (GRCh38, chr11:123,594,078, plus strand): 5'-GCCCTTCCTTCCTAACCCCACAGAACCGGGGTACATCCTACTAACCTTGGCTATTGTCAC[G>A]CAGGTGTTAAGCCCCACCTACAAGCAGAGAAATGAAGACTTCAGAAAGCTCTTTAAGCAG-3'